The following is an entry in ClinVar:

ClinVar aggregate classification (germline): Likely benign. Review status: criteria provided, single submitter (1 of 4 stars). 2 submissions from 2 submitters: Likely benign (1). 1 of the submissions does not count toward it. Last evaluated 2022-07-01.

Conditions:
FSIP2-related disorder. Also called: FSIP2-related condition.

Allele frequency attached by ClinVar (database versions not stated): gnomAD exomes 0.00083; ExAC 0.00100; gnomAD 0.00186; 1000 Genomes Project 30x 0.00219; 1000 Genomes Project 0.00220; TOPMed 0.00223.
gnomAD v4.1: 1,520 of 1,532,226 alleles (0.099%); highest among the groups gnomAD compares: Admixed American, 0.49%; 6 homozygotes.

Submissions (2):

CeGaT Center for Human Genetics Tuebingen
Classification: Likely benign. Last evaluated: 2022-07-01. Review status: criteria provided, single submitter. Criteria: CeGaT Center For Human Genetics Tuebingen Variant Classification Criteria Version 2. Collection method: clinical testing. Allele origin: germline. Affected: yes. Observed: 1 variant allele.
Comment: FSIP2: BP4, BP7

PreventionGenetics, part of Exact Sciences
Classification: Likely benign for FSIP2-related condition. Last evaluated: 2019-02-22. Review status: no assertion criteria provided. Collection method: clinical testing. Allele origin: germline. Not counted in ClinVar's aggregate classification.
Comment: This variant is classified as likely benign based on ACMG/AMP sequence variant interpretation guidelines (Richards et al. 2015 PMID: 25741868, with internal and published modifications).

NM_173651.4(FSIP2):c.7713T>C (p.Ser2571=)

Genes: FSIP2 (fibrous sheath interacting protein 2; plus strand), FSIP2-AS1 (FSIP2 antisense RNA 1; minus strand). Cytogenetic location: 2q32.1.
Variant type: single nucleotide variant.
Coding change: c.7713T>C on transcript NM_173651.4 (MANE Select); coding-DNA position 7713, T replaced by C.
Protein change: p.Ser2571=; no amino-acid change (serine 2571 retained).
Molecular consequence: synonymous variant.
Genome position (GRCh38, 1-based): chr2:185,794,849, T>C. VCF-style: chr2-185794849-T-C. GRCh37 (hg19) VCF-style: chr2-186659576-T-C.
Other names: c.7713T>C (NM_173651.3).
Identifiers: ClinVar variation 2651746 (VCV002651746.25), dbSNP rs146197304, ClinGen allele CA2016799.